The following is an entry in ClinVar:

ClinVar aggregate classification (germline): Uncertain significance. Review status: criteria provided, multiple submitters, no conflicts (2 of 4 stars). 2 submissions from 2 submitters: Uncertain significance (2). Last evaluated 2026-02-23.

Conditions:
Gnathodiaphyseal dysplasia (GDD). Also called: GNATHODIAPHYSEAL SCLEROSIS; OSTEOGENESIS IMPERFECTA WITH UNUSUAL SKELETAL LESIONS. Identifiers: Orphanet 53697, MedGen C1833736, MONDO:0008151, OMIM 166260.
Autosomal recessive limb-girdle muscular dystrophy type 2L (LGMDR12). Also called: Limb-girdle muscular dystrophy, type 2L; MUSCULAR DYSTROPHY, LIMB-GIRDLE, AUTOSOMAL RECESSIVE 12; Limb-Girdle Muscular Dystrophy R12 Anoctamin-5-Related (LGMD-R12). Identifiers: Orphanet 206549, MedGen C1969785, MONDO:0012652, OMIM 611307.
Inborn genetic diseases. Identifiers: MedGen C0950123, MeSH D030342.

Allele frequency attached by ClinVar (database versions not stated): gnomAD exomes below 0.00001; TOPMed below 0.00001.
gnomAD v4.1: 3 of 1,613,976 alleles (0.00019%); highest among the groups gnomAD compares: Admixed American, 0.0033%; no homozygotes.

Submissions (2):

Ambry Genetics
Classification: Uncertain significance for Inborn genetic diseases. Last evaluated: 2026-02-23. Review status: criteria provided, single submitter. Criteria: Ambry Variant Classification Scheme 2023. Collection method: clinical testing. Allele origin: germline.

Labcorp Genetics (formerly Invitae), Labcorp
Classification: Uncertain significance for Autosomal recessive limb-girdle muscular dystrophy type 2L; Gnathodiaphyseal dysplasia. Last evaluated: 2023-03-26. Review status: criteria provided, single submitter. Criteria: Invitae Variant Classification Sherloc (09022015). Collection method: clinical testing. Allele origin: germline.
Comment: Algorithms developed to predict the effect of missense changes on protein structure and function output the following: SIFT: "Not Available"; PolyPhen-2: "Benign"; Align-GVGD: "Not Available". The threonine amino acid residue is found in multiple mammalian species, which suggests that this missense change does not adversely affect protein function. In summary, the available evidence is currently insufficient to determine the role of this variant in disease. Therefore, it has been classified as a Variant of Uncertain Significance. This variant has not been reported in the literature in individuals affected with ANO5-related conditions. This sequence change replaces isoleucine, which is neutral and non-polar, with threonine, which is neutral and polar, at codon 341 of the ANO5 protein (p.Ile341Thr). This variant is present in population databases (no rsID available, gnomAD 0.003%).

NM_213599.3(ANO5):c.1022T>C (p.Ile341Thr)

Gene: ANO5 (anoctamin 5; plus strand). Cytogenetic location: 11p14.3.
Variant type: single nucleotide variant.
Coding change: c.1022T>C on transcript NM_213599.3 (MANE Select); coding-DNA position 1022, T replaced by C.
Protein change: p.Ile341Thr; replaces isoleucine 341 with threonine.
Molecular consequence: missense variant.
Genome position (GRCh38, 1-based): chr11:22,250,749, T>C. VCF-style: chr11-22250749-T-C. GRCh37 (hg19) VCF-style: chr11-22272295-T-C.
Other names: c.977T>C, p.Ile326Thr (NM_001410964.1); c.1019T>C, p.Ile340Thr (NM_001142649.2); c.980T>C, p.Ile327Thr (NM_001410963.1); short protein forms I326T, I327T, I340T, I341T.
Identifiers: ClinVar variation 2947103 (VCV002947103.4), dbSNP rs1253258984, ClinGen allele CA379920963.